The following is an entry in ClinVar:

NM_000414.4(HSD17B4):c.835T>G (p.Phe279Val)

Gene: HSD17B4 (hydroxysteroid 17-beta dehydrogenase 4; plus strand). Cytogenetic location: 5q23.1.
Variant type: single nucleotide variant.
Coding change: c.835T>G on transcript NM_000414.4 (MANE Select); coding-DNA position 835, T replaced by G.
Protein change: p.Phe279Val; replaces phenylalanine 279 with valine.
Molecular consequence: missense variant. On other transcripts: non-coding transcript variant (2).
Genome position (GRCh38, 1-based): chr5:119,493,913, T>G. VCF-style: chr5-119493913-T-G. GRCh37 (hg19) VCF-style: chr5-118829608-T-G.
Other names: c.910T>G, p.Phe304Val (NM_001199291.3); c.781T>G, p.Phe261Val (NM_001199292.2); c.763T>G, p.Phe255Val (NM_001292027.2); c.415T>G, p.Phe139Val (NM_001292028.2); c.826T>G, p.Phe276Val (NM_001374497.1); c.835T>G, p.Phe279Val (NM_001374498.1); c.508T>G, p.Phe170Val (NM_001374499.1); c.394T>G, p.Phe132Val (NM_001374500.1); and 1 more; short protein forms F132V, F139V, F142V, F170V, F255V, F261V, F276V, F279V.
Identifiers: ClinVar variation 1329468 (VCV001329468.3), dbSNP rs1162207835, ClinGen allele CA360867354.

ClinVar aggregate classification (germline): Uncertain significance (1 of 4 stars; one submission).

Conditions:
Perrault syndrome 1 (PRLTS1). Also called: GONADAL DYSGENESIS, XX TYPE, WITH DEAFNESS; OVARIAN DYSGENESIS WITH SENSORINEURAL DEAFNESS. Identifiers: Orphanet 2855, Orphanet 642945, MedGen C4551721, MONDO:0009300, OMIM 233400.

Allele frequency attached by ClinVar (database versions not stated): gnomAD exomes below 0.00001.
gnomAD v4.1: 1 of 1,613,350 alleles (0.000062%); highest among the groups gnomAD compares: South Asian, 0.0011%; no homozygotes.

Submission:

Diagnostics Services (NGS), CSIR - Centre For Cellular And Molecular Biology
Classification: Uncertain significance for Perrault syndrome 1. Last evaluated: 2021-07-29. Review status: criteria provided, single submitter. Criteria: ACMG Guidelines, 2015. Collection method: clinical testing. Allele origin: unknown. Inheritance: Autosomal recessive inheritance. Affected: yes. Observed: 1 variant allele, 1 heterozygote.
Comment: The c.835T>G variant is not present in publicly available population databases like 1000 Genomes, Exome Variant Server (EVS), Exome Aggregation Consortium (ExAC), Genome Aggregation Database (gnomAD) and dbSNP. The variant is not present in Indian Exome Database and in our in-house exome database. The variant was not earlier reported to ClinVar, Human Genome Mutation Database (HGMD) and/or OMIM databases in any affected individuals. In-silico pathogenicity prediction programs like SIFT, PolyPhen-3, MutationTaster2, CADD etc. predicted this variant to be not likely deleterious. Varsome predicted this variant as VUS with some pathogenic evidences, however these predictions were not confirmed by any established functional studies. Due to lack of enough evidence the variant has been classified as likely pathogenic.